The following is an entry in ClinVar:

NM_153646.4(SLC24A4):c.565G>A (p.Gly189Arg)

Gene: SLC24A4 (solute carrier family 24 member 4; plus strand). Cytogenetic location: 14q32.12.
Variant type: single nucleotide variant.
Coding change: c.565G>A on transcript NM_153646.4 (MANE Select); coding-DNA position 565, G replaced by A.
Protein change: p.Gly189Arg; replaces glycine 189 with arginine.
Molecular consequence: missense variant.
Genome position (GRCh38, 1-based): chr14:92,442,799, G>A. VCF-style: chr14-92442799-G-A. GRCh37 (hg19) VCF-style: chr14-92909143-G-A.
Other names: c.565G>A, p.Gly189Arg (NM_001378620.1, NM_001425254.1, NM_153647.4); c.373G>A, p.Gly125Arg (NM_153648.4); short protein forms G189R, G125R.
Identifiers: ClinVar variation 4982881 (VCV004982881.1).

ClinVar aggregate classification (germline): Uncertain significance (1 of 4 stars; one submission).

Conditions:
SLC24A4-related disorder. Also called: SLC24A4-related condition.

gnomAD v4.1: 197 of 1,613,936 alleles (0.012%); highest among the groups gnomAD compares: Non-Finnish European, 0.015%; no homozygotes.

Submission:

PreventionGenetics, part of Exact Sciences
Classification: Uncertain significance for SLC24A4-related condition. Last evaluated: 2025-09-04. Review status: criteria provided, single submitter. Criteria: ACMG Guidelines, 2015. Collection method: clinical testing. Allele origin: germline.
Comment: The SLC24A4 c.565G>A variant is predicted to result in the amino acid substitution p.Gly189Arg. To our knowledge, this variant has not been reported in the literature. This variant is present in 0.020% of alleles in individuals of European (Finnish) descent in gnomAD. At this time, the clinical significance of this variant is uncertain due to the absence of conclusive functional and genetic evidence.